The following is an entry in ClinVar:

NM_006767.4(LZTR1):c.563G>A (p.Trp188Ter)

Gene: LZTR1 (leucine zipper like post translational regulator 1; plus strand). Cytogenetic location: 22q11.21.
Variant type: single nucleotide variant.
Coding change: c.563G>A on transcript NM_006767.4 (MANE Select); coding-DNA position 563, G replaced by A.
Protein change: p.Trp188Ter; replaces tryptophan 188 with a stop codon.
Molecular consequence: nonsense.
Genome position (GRCh38, 1-based): chr22:20,988,842, G>A. VCF-style: chr22-20988842-G-A. GRCh37 (hg19) VCF-style: chr22-21343131-G-A.
Other names: c.563G>A (NM_006767.3); short protein forms W188*.
Identifiers: ClinVar variation 1068895 (VCV001068895.10), dbSNP rs1924497235, ClinGen allele CA410780184.

ClinVar aggregate classification (germline): Conflicting classifications of pathogenicity. Review status: criteria provided, conflicting classifications (1 of 4 stars). 3 submissions from 3 submitters: Pathogenic (2); Uncertain significance (1). Last evaluated 2026-03-05.

Conditions:
Hereditary cancer-predisposing syndrome. Also called: Neoplastic Syndromes, Hereditary; Tumor predisposition; Hereditary Cancer Syndrome; Hereditary neoplastic syndrome. Identifiers: Orphanet 140162, MedGen C0027672, MeSH D009386, MONDO:0015356.
Cardiovascular phenotype. Identifiers: MedGen CN230736.

Allele frequency attached by ClinVar (database versions not stated): gnomAD exomes below 0.00001.

Submissions (3):

Dasa
Classification: Uncertain significance. Last evaluated: 2026-03-05. Review status: criteria provided, single submitter. Criteria: DASA Assertion Criteria. Collection method: clinical testing. Allele origin: germline.
Comment: NM_006767.4(LZTR1):c.563G>A (p.Trp188*) is a nonsense variant in LZTR1 predicted to introduce a premature termination codon and is predicted to result in an absent or altered protein product. This variant is rare in population databases. The currently available literature and clinical evidence are not sufficient to establish a definitive association between this variant and the reported condition. Therefore, this variant is classified as a variant of uncertain significance.

Labcorp Genetics (formerly Invitae), Labcorp
Classification: Pathogenic. Last evaluated: 2025-05-20. Review status: criteria provided, single submitter. Criteria: Invitae Variant Classification Sherloc (09022015). Collection method: clinical testing. Allele origin: germline.
Comment: This sequence change creates a premature translational stop signal (p.Trp188*) in the LZTR1 gene. It is expected to result in an absent or disrupted protein product. Loss-of-function variants in LZTR1 are known to be pathogenic (PMID: 24362817, 25335493, 25480913, 25795793, 29469822, 30368668, 30442762, 30442766, 30481304, 30859559). This variant is not present in population databases (gnomAD no frequency). This variant has not been reported in the literature in individuals affected with LZTR1-related conditions. ClinVar contains an entry for this variant (Variation ID: 1068895). For these reasons, this variant has been classified as Pathogenic.

Ambry Genetics
Classification: Pathogenic for Cardiovascular phenotype; Hereditary cancer-predisposing syndrome. Last evaluated: 2024-07-03. Review status: criteria provided, single submitter. Criteria: Ambry Variant Classification Scheme 2023. Collection method: clinical testing. Allele origin: germline.
Comment: The p.W188* variant (also known as c.563G>A), located in coding exon 6 of the LZTR1 gene, results from a G to A substitution at nucleotide position 563. This changes the amino acid from a tryptophan to a stop codon within coding exon 6. This variant is considered to be rare based on population cohorts in the Genome Aggregation Database (gnomAD). Loss-of-function variants in LZTR1 are related to an increased risk for schwannomas and autosomal recessive Noonan syndrome; however, such associations with autosomal dominant Noonan syndrome have not been observed (Piotrowski A et al. Nat Genet. 2014 Feb;46:182-7; Yamamoto GL et al. J Med Genet. 2015 Jun;52:413-21; Johnston JJ et al. Genet Med. 2018 10;20:1175-1185). This alteration is expected to result in loss of function by premature protein truncation or nonsense-mediated mRNA decay. Based on the supporting evidence, this variant is pathogenic for an increased risk of LZTR1-related schwannomatosis (SWN) and would be expected to cause autosomal recessive Noonan syndrome when present along with a second pathogenic or likely pathogenic variant on the other allele; however, the association of this alteration with autosomal dominant Noonan syndrome is unlikely.

Literature cited by the submitters: PubMed 24362817 (cited by Labcorp Genetics (formerly Invitae), Labcorp); PubMed 25335493 (cited by Labcorp Genetics (formerly Invitae), Labcorp); PubMed 25480913 (cited by Labcorp Genetics (formerly Invitae), Labcorp); PubMed 25795793 (cited by Labcorp Genetics (formerly Invitae), Labcorp); PubMed 29469822 (cited by Labcorp Genetics (formerly Invitae), Labcorp); PubMed 30368668 (cited by Labcorp Genetics (formerly Invitae), Labcorp); PubMed 30442762 (cited by Labcorp Genetics (formerly Invitae), Labcorp); PubMed 30442766 (cited by Labcorp Genetics (formerly Invitae), Labcorp); PubMed 30481304 (cited by Labcorp Genetics (formerly Invitae), Labcorp); PubMed 30859559 (cited by Labcorp Genetics (formerly Invitae), Labcorp).